The following is an entry in ClinVar:

ClinVar aggregate classification (germline): Likely benign (0 of 4 stars; one submission).

Conditions:
YY1AP1-related disorder. Also called: YY1AP1-related condition.

Allele frequency attached by ClinVar (database versions not stated): gnomAD exomes below 0.00001; gnomAD 0.00001; TOPMed 0.00002.
gnomAD v4.1: 4 of 1,543,148 alleles (0.00026%); highest among the groups gnomAD compares: African/African-American, 0.0055%; no homozygotes.

Submission:

PreventionGenetics, part of Exact Sciences
Classification: Likely benign for YY1AP1-related condition. Last evaluated: 2023-12-04. Review status: no assertion criteria provided. Collection method: clinical testing. Allele origin: germline.
Comment: This variant is classified as likely benign based on ACMG/AMP sequence variant interpretation guidelines (Richards et al. 2015 PMID: 25741868, with internal and published modifications).

NM_139119.3(YY1AP1):c.-151-186A>G

Genes: DAP3 (death associated protein 3; plus strand), YY1AP1 (YY1 associated protein 1; minus strand). Cytogenetic location: 1q22.
Variant type: single nucleotide variant.
Coding change: c.-151-186A>G on transcript NM_139119.3 (MANE Select); 186 bases into the intron before 151 bases upstream of the start codon, A replaced by G.
Molecular consequence: intron variant. On other transcripts: synonymous variant (2).
Genome position (GRCh38, 1-based): chr1:155,688,387, T>C on the plus strand (A>G on the coding strand, the complement: YY1AP1 is on the minus strand). VCF-style: chr1-155688387-T-C. GRCh37 (hg19) VCF-style: chr1-155658178-T-C.
Other names: c.78A>G, p.Leu26= (NM_001198903.1, NM_001198904.1); c.-21+543A>G (NM_001198901.2); c.-375+543A>G (NM_139121.3); c.48-186A>G (NM_139118.3, NM_001198906.2); c.-21+272A>G (NM_001198902.2); c.-143-186A>G (NM_001198900.2); c.-151-186A>G (NM_001198905.2); c.-265-186A>G (NM_018253.4).
Identifiers: ClinVar variation 3054730 (VCV003054730.2), dbSNP rs1399334270, ClinGen allele CA421252658.